The following is an entry in ClinVar:

ClinVar aggregate classification (germline): Conflicting classifications of pathogenicity. Review status: criteria provided, conflicting classifications (1 of 4 stars). 2 submissions from 2 submitters: Uncertain significance (1); Likely benign (1). Last evaluated 2025-08-18.

Conditions:
Hereditary cancer-predisposing syndrome. Also called: Neoplastic Syndromes, Hereditary; Tumor predisposition; Hereditary Cancer Syndrome; Hereditary neoplastic syndrome. Identifiers: Orphanet 140162, MedGen C0027672, MeSH D009386, MONDO:0015356.

Submissions (2):

Labcorp Genetics (formerly Invitae), Labcorp
Classification: Uncertain significance. Last evaluated: 2025-08-18. Review status: criteria provided, single submitter. Criteria: Invitae Variant Classification Sherloc (09022015). Collection method: clinical testing. Allele origin: germline.
Comment: This sequence change replaces aspartic acid, which is acidic and polar, with glycine, which is neutral and non-polar, at codon 1203 of the POLE protein (p.Asp1203Gly). This variant is not present in population databases (gnomAD no frequency). This variant has not been reported in the literature in individuals affected with POLE-related conditions. ClinVar contains an entry for this variant (Variation ID: 1733173). Invitae Evidence Modeling of protein sequence and biophysical properties (such as structural, functional, and spatial information, amino acid conservation, physicochemical variation, residue mobility, and thermodynamic stability) indicates that this missense variant is not expected to disrupt POLE protein function with a negative predictive value of 80%. In summary, the available evidence is currently insufficient to determine the role of this variant in disease. Therefore, it has been classified as a Variant of Uncertain Significance.

Ambry Genetics
Classification: Likely benign for Hereditary cancer-predisposing syndrome. Last evaluated: 2022-04-25. Review status: criteria provided, single submitter. Criteria: Ambry Variant Classification Scheme 2023. Collection method: clinical testing. Allele origin: germline.

NM_006231.4(POLE):c.3608A>G (p.Asp1203Gly)

Gene: POLE (DNA polymerase epsilon, catalytic subunit; minus strand). Cytogenetic location: 12q24.33.
Variant type: single nucleotide variant.
Coding change: c.3608A>G on transcript NM_006231.4 (MANE Select); coding-DNA position 3608, A replaced by G.
Protein change: p.Asp1203Gly; replaces aspartic acid 1203 with glycine.
Molecular consequence: missense variant.
Genome position (GRCh38, 1-based): chr12:132,649,864, T>C on the plus strand (A>G on the coding strand, the complement: POLE is on the minus strand). VCF-style: chr12-132649864-T-C. GRCh37 (hg19) VCF-style: chr12-133226450-T-C.
Other names: short protein forms D1203G.
Identifiers: ClinVar variation 1733173 (VCV001733173.4), dbSNP rs2042383988, ClinGen allele CA387387000.